The following is an entry in ClinVar:

NM_012448.4(STAT5B):c.677G>A (p.Arg226His)

Gene: STAT5B (signal transducer and activator of transcription 5B; minus strand). Cytogenetic location: 17q21.2.
Variant type: single nucleotide variant.
Coding change: c.677G>A on transcript NM_012448.4 (MANE Select); coding-DNA position 677, G replaced by A.
Protein change: p.Arg226His; replaces arginine 226 with histidine.
Molecular consequence: missense variant.
Genome position (GRCh38, 1-based): chr17:42,219,716, C>T on the plus strand (G>A on the coding strand, the complement: STAT5B is on the minus strand). VCF-style: chr17-42219716-C-T. GRCh37 (hg19) VCF-style: chr17-40371734-C-T.
Other names: p.Arg226Leu; c.677G>A (NM_012448.3); short protein forms R226H.
Identifiers: ClinVar variation 1373680 (VCV001373680.10), dbSNP rs973881375, ClinGen allele CA290742799.
Genomic context (GRCh38, chr17:42,219,716, plus strand): 5'-CCCAGAGACTGACTTCATGGCACCCACGCCCAGGAGAGGCCCAGGACCCCACTCACCACG[C>T]GGTACTGCTGCAGTGTCTGTGCCTCACGCTGCAACCAGGCCTCCAGAGACACCTGCTTCT-3'
Protein context (NP_036580.2, residues 216-236): QREAQTLQQY[Arg226His]VELAEKHQKT

ClinVar aggregate classification (germline): Uncertain significance. Review status: criteria provided, multiple submitters, no conflicts (2 of 4 stars). 3 submissions from 3 submitters: Uncertain significance (3). Last evaluated 2025-03-27.

Conditions:
Growth hormone insensitivity with immune dysregulation 1, autosomal recessive. Also called: GROWTH HORMONE INSENSITIVITY SYNDROME WITH IMMUNE DYSREGULATION 1, AUTOSOMAL RECESSIVE; GROWTH HORMONE INSENSITIVITY DUE TO POSTRECEPTOR DEFECT; LARON SYNDROME DUE TO POSTRECEPTOR DEFECT; Laron syndrome with immunodeficiency. Identifiers: Orphanet 220465, MedGen C5435698, MONDO:0100211, OMIM 245590.

Allele frequency attached by ClinVar (database versions not stated): gnomAD exomes 0.00002.
gnomAD v4.1: 28 of 1,605,638 alleles (0.0017%); highest among the groups gnomAD compares: Non-Finnish European, 0.0022%; no homozygotes.

Submissions (3):

GeneDx
Classification: Uncertain significance. Last evaluated: 2025-03-27. Review status: criteria provided, single submitter. Criteria: GeneDx Variant Classification Process June 2021. Collection method: clinical testing. Allele origin: germline. Affected: yes.
Comment: Not observed at significant frequency in large population cohorts (gnomAD); In silico analysis supports that this missense variant has a deleterious effect on protein structure/function; Has not been previously published as pathogenic or benign to our knowledge

Mayo Clinic Laboratories, Mayo Clinic
Classification: Uncertain significance. Last evaluated: 2023-01-03. Review status: criteria provided, single submitter. Criteria: ACMG Guidelines, 2015. Collection method: clinical testing. Allele origin: germline. Observed: 1 variant allele.
Comment: PM2_supporting

Labcorp Genetics (formerly Invitae), Labcorp
Classification: Uncertain significance for Growth hormone insensitivity with immune dysregulation 1, autosomal recessive. Last evaluated: 2022-07-05. Review status: criteria provided, single submitter. Criteria: Invitae Variant Classification Sherloc (09022015). Collection method: clinical testing. Allele origin: germline.
Comment: This sequence change replaces arginine, which is basic and polar, with histidine, which is basic and polar, at codon 226 of the STAT5B protein (p.Arg226His). This variant is not present in population databases (gnomAD no frequency). In summary, the available evidence is currently insufficient to determine the role of this variant in disease. Therefore, it has been classified as a Variant of Uncertain Significance. Algorithms developed to predict the effect of missense changes on protein structure and function are either unavailable or do not agree on the potential impact of this missense change (SIFT: "Deleterious"; PolyPhen-2: "Probably Damaging"; Align-GVGD: "Class C0"). ClinVar contains an entry for this variant (Variation ID: 1373680). This variant has not been reported in the literature in individuals affected with STAT5B-related conditions.